The following is an entry in ClinVar:

ClinVar aggregate classification (germline): Uncertain significance. Review status: criteria provided, multiple submitters, no conflicts (2 of 4 stars). 2 submissions from 2 submitters: Uncertain significance (2). Last evaluated 2022-10-24.

Allele frequency attached by ClinVar (database versions not stated): ExAC 0.00002; gnomAD exomes 0.00002; gnomAD 0.00014 and 0.00015; 1000 Genomes Project 30x 0.00016; 1000 Genomes Project 0.00020; TOPMed 0.00020.
gnomAD v4.1: 54 of 1,614,178 alleles (0.0033%); highest among the groups gnomAD compares: Admixed American, 0.04%; no homozygotes.

Submissions (2):

Labcorp Genetics (formerly Invitae), Labcorp
Classification: Uncertain significance. Last evaluated: 2022-10-24. Review status: criteria provided, single submitter. Criteria: Invitae Variant Classification Sherloc (09022015). Collection method: clinical testing. Allele origin: germline.
Comment: This sequence change replaces isoleucine, which is neutral and non-polar, with threonine, which is neutral and polar, at codon 332 of the TBXAS1 protein (p.Ile332Thr). This variant is present in population databases (rs6140, gnomAD 0.006%). This variant has not been reported in the literature in individuals affected with TBXAS1-related conditions. ClinVar contains an entry for this variant (Variation ID: 289853). Algorithms developed to predict the effect of missense changes on protein structure and function (SIFT, PolyPhen-2, Align-GVGD) all suggest that this variant is likely to be disruptive. In summary, the available evidence is currently insufficient to determine the role of this variant in disease. Therefore, it has been classified as a Variant of Uncertain Significance.

Eurofins Ntd Llc (ga)
Classification: Uncertain significance. Last evaluated: 2016-08-05. Review status: criteria provided, single submitter. Criteria: EGL Classification Definitions 2015. Collection method: clinical testing. Allele origin: germline. Observed: 1 variant allele, 1 heterozygote.

NM_001061.7(TBXAS1):c.992T>C (p.Ile331Thr)

Gene: TBXAS1 (thromboxane A synthase 1; plus strand). Cytogenetic location: 7q34.
Variant type: single nucleotide variant.
Coding change: c.992T>C on transcript NM_001061.7 (MANE Select); coding-DNA position 992, T replaced by C.
Protein change: p.Ile331Thr; replaces isoleucine 331 with threonine.
Molecular consequence: missense variant.
Genome position (GRCh38, 1-based): chr7:139,962,091, T>C. VCF-style: chr7-139962091-T-C. GRCh37 (hg19) VCF-style: chr7-139661890-T-C.
Other names: c.992T>C, p.Ile331Thr (NM_001130966.5, NM_030984.6); c.1130T>C, p.Ile377Thr (NM_001166253.4); c.791T>C, p.Ile264Thr (NM_001166254.4); c.935T>C, p.Ile312Thr (NM_001314028.4); c.809T>C, p.Ile270Thr (NM_001366537.3); short protein forms I264T, I331T, I377T, I270T, I312T.
Identifiers: ClinVar variation 289853 (VCV000289853.7), dbSNP rs6140, ClinGen allele CA4511867.